The following is an entry in ClinVar:

NM_000262.3(NAGA):c.572C>A (p.Ala191Asp)

Genes: NAGA (alpha-N-acetylgalactosaminidase; minus strand), LOC126863160 (CDK7 strongly-dependent group 2 enhancer GRCh37_chr22:42462918-42464117; plus strand). Cytogenetic location: 22q13.2.
Variant type: single nucleotide variant.
Coding change: c.572C>A on transcript NM_000262.3 (MANE Select); coding-DNA position 572, C replaced by A.
Protein change: p.Ala191Asp; replaces alanine 191 with aspartic acid.
Molecular consequence: missense variant.
Genome position (GRCh38, 1-based): chr22:42,066,735, G>T on the plus strand (C>A on the coding strand, the complement: NAGA is on the minus strand). VCF-style: chr22-42066735-G-T. GRCh37 (hg19) VCF-style: chr22-42462739-G-T.
Other names: c.572C>A, p.Ala191Asp (NM_001362848.1, NM_001362850.1); short protein forms A191D.
Identifiers: ClinVar variation 4625736 (VCV004625736.2).

ClinVar aggregate classification (germline): Uncertain significance. Review status: criteria provided, multiple submitters, no conflicts (2 of 4 stars). 2 submissions from 2 submitters: Uncertain significance (2). Last evaluated 2026-04-15.

Conditions:
Alpha-N-acetylgalactosaminidase deficiency. Identifiers: Orphanet 3137, MedGen C5848084, MONDO:0017779.
Inborn genetic diseases. Identifiers: MedGen C0950123, MeSH D030342.

gnomAD v4.1: 4 of 1,604,554 alleles (0.00025%); highest among the groups gnomAD compares: African/African-American, 0.004%; no homozygotes.

Submissions (2):

Myriad Genetics, Inc.
Classification: Uncertain significance for Alpha-N-acetylgalactosaminidase deficiency. Last evaluated: 2026-04-15. Review status: criteria provided, single submitter. Criteria: Myriad Autosomal Dominant, Autosomal Recessive and X-Linked Classification Criteria (2023). Collection method: clinical testing. Allele origin: unknown.
Comment: NM_000262.2(NAGA):c.572C>A(A191D) is a missense variant classified as a variant of uncertain significance in the context of NAGA-related disorders. A191D has not been observed in cases with relevant disease. Relevant functional assessments of this variant are not available in the literature. A191D has been observed in referenced population frequency databases. In summary, there is insufficient evidence to classify NM_000262.2(NAGA):c.572C>A(A191D) as pathogenic or benign. Please note: this variant was assessed in the context of healthy population screening.

Ambry Genetics
Classification: Uncertain significance for Inborn genetic diseases. Last evaluated: 2025-11-19. Review status: criteria provided, single submitter. Criteria: Ambry Variant Classification Scheme 2023. Collection method: clinical testing. Allele origin: germline.